The following is an entry in ClinVar:

ClinVar aggregate classification (germline): Uncertain significance (1 of 4 stars; one submission).

Conditions:
Hereditary cancer-predisposing syndrome. Also called: Neoplastic Syndromes, Hereditary; Hereditary Cancer Syndrome; Hereditary neoplastic syndrome; Tumor predisposition. Identifiers: Orphanet 140162, MedGen C0027672, MeSH D009386, MONDO:0015356.

Submission:

Ambry Genetics
Classification: Uncertain significance for Hereditary cancer-predisposing syndrome. Last evaluated: 2023-04-18. Review status: criteria provided, single submitter. Criteria: Ambry Variant Classification Scheme 2023. Collection method: clinical testing. Allele origin: germline.
Comment: The p.I1463N variant (also known as c.4388T>A), located in coding exon 33 of the TSC2 gene, results from a T to A substitution at nucleotide position 4388. The isoleucine at codon 1463 is replaced by asparagine, an amino acid with dissimilar properties. This amino acid position is conserved. In addition, this alteration is predicted to be deleterious by in silico analysis. Since supporting evidence is limited at this time, the clinical significance of this alteration remains unclear.

NM_000548.5(TSC2):c.4388T>A (p.Ile1463Asn)

Gene: TSC2 (TSC complex subunit 2; plus strand). Cytogenetic location: 16p13.3.
Variant type: single nucleotide variant.
Coding change: c.4388T>A on transcript NM_000548.5 (MANE Select); coding-DNA position 4388, T replaced by A.
Protein change: p.Ile1463Asn; replaces isoleucine 1463 with asparagine.
Molecular consequence: missense variant. On other transcripts: non-coding transcript variant (5).
Genome position (GRCh38, 1-based): chr16:2,084,610, T>A. VCF-style: chr16-2084610-T-A. GRCh37 (hg19) VCF-style: chr16-2134611-T-A.
Other names: c.4187T>A, p.Ile1396Asn (NM_001077183.3); c.4319T>A, p.Ile1440Asn (NM_001114382.3); c.4079T>A, p.Ile1360Asn (NM_001318827.2); c.4043T>A, p.Ile1348Asn (NM_001318829.2); c.3656T>A, p.Ile1219Asn (NM_001318831.2); c.4220T>A, p.Ile1407Asn (NM_001318832.2); c.4190T>A, p.Ile1397Asn (NM_001363528.2); c.4256T>A, p.Ile1419Asn (NM_001370404.1); and 26 more; short protein forms I1197N, I1240N, I1348N, I1392N, I1397N, I1463N, I862N, I948N.
Identifiers: ClinVar variation 2564697 (VCV002564697.2), dbSNP rs2151534940, ClinGen allele CA394301864.